The following is an entry in ClinVar:

ClinVar aggregate classification (germline): Uncertain significance (1 of 4 stars; one submission).

Conditions:
Peroxisome biogenesis disorder 11A (Zellweger). Also called: Peroxisome biogenesis disorder 11A. Identifiers: Orphanet 912, MedGen C3554000, MONDO:0013949, OMIM 614883.

Submission:

Labcorp Genetics (formerly Invitae), Labcorp
Classification: Uncertain significance for Peroxisome biogenesis disorder 11A (Zellweger). Last evaluated: 2021-12-25. Review status: criteria provided, single submitter. Criteria: Invitae Variant Classification Sherloc (09022015). Collection method: clinical testing. Allele origin: germline.
Comment: In summary, the available evidence is currently insufficient to determine the role of this variant in disease. Therefore, it has been classified as a Variant of Uncertain Significance. This variant disrupts a region of the PEX13 protein in which other variant(s) (p.Trp313Gly) have been observed in individuals with PEX13-related conditions (PMID: 17041890). This suggests that this is a clinically significant region of the protein, and that variants that disrupt it are likely to be disease-causing. This variant has not been reported in the literature in individuals affected with PEX13-related conditions. This variant is a gross deletion of the genomic region encompassing exon(s) 3-4 of the PEX13 gene, which includes the termination codon. This deletion extends beyond the assayed region for this gene and therefore may encompass additional genes. While this deletion is not anticipated to lead to nonsense mediated decay, it is expected to alter mRNA translation or result in a truncated protein product.

Literature cited by the submitters: PubMed 17041890.

NC_000002.11:g.(?_61272841)_(61275905_?)del

Gene: PEX13 (peroxisomal biogenesis factor 13; plus strand). Cytogenetic location: 2p16.1.
Variant type: Deletion.
Identifiers: ClinVar variation 2424503 (VCV002424503.4).